The following is an entry in ClinVar:

ClinVar aggregate classification (germline): Uncertain significance (1 of 4 stars; one submission).

gnomAD v4.1: 11 of 1,571,052 alleles (0.0007%); highest among the groups gnomAD compares: Non-Finnish European, 0.00095%; no homozygotes.

Submission:

Labcorp Genetics (formerly Invitae), Labcorp
Classification: Uncertain significance. Last evaluated: 2025-07-23. Review status: criteria provided, single submitter. Criteria: Invitae Variant Classification Sherloc (09022015). Collection method: clinical testing. Allele origin: germline.
Comment: This sequence change replaces cysteine, which is neutral and slightly polar, with tyrosine, which is neutral and polar, at codon 183 of the NR2E3 protein (p.Cys183Tyr). This variant is not present in population databases (gnomAD no frequency). This variant has not been reported in the literature in individuals affected with NR2E3-related conditions. Invitae Evidence Modeling of protein sequence and biophysical properties (such as structural, functional, and spatial information, amino acid conservation, physicochemical variation, residue mobility, and thermodynamic stability) indicates that this missense variant is not expected to disrupt NR2E3 protein function with a negative predictive value of 80%. In summary, the available evidence is currently insufficient to determine the role of this variant in disease. Therefore, it has been classified as a Variant of Uncertain Significance.

NM_014249.4(NR2E3):c.548G>A (p.Cys183Tyr)

Gene: NR2E3 (nuclear receptor subfamily 2 group E member 3; plus strand). Cytogenetic location: 15q23.
Variant type: single nucleotide variant.
Coding change: c.548G>A on transcript NM_014249.4 (MANE Select); coding-DNA position 548, G replaced by A.
Protein change: p.Cys183Tyr; replaces cysteine 183 with tyrosine.
Molecular consequence: missense variant.
Genome position (GRCh38, 1-based): chr15:71,812,153, G>A. VCF-style: chr15-71812153-G-A. GRCh37 (hg19) VCF-style: chr15-72104493-G-A.
Other names: c.548G>A, p.Cys183Tyr (NM_016346.4); short protein forms C183Y.
Identifiers: ClinVar variation 4736746 (VCV004736746.1).
Genomic context (GRCh38, chr15:71,812,153, plus strand): 5'-TGTCTGCAGCCAGAGCCCTGGGCCACCACTTCATGGCCAGCCTTATAACAGCTGAAACCT[G>A]TGCTAAGCTGGAGCCAGAGGATGGTGAGTGGGAGAGCAGCTGAGGGCACAGCAGGGCTTG-3'
Protein context (NP_055064.1, residues 173-193): FMASLITAET[Cys183Tyr]AKLEPEDADE